The following is an entry in ClinVar:

ClinVar aggregate classification (germline): Uncertain significance. Review status: criteria provided, multiple submitters, no conflicts (2 of 4 stars). 2 submissions from 2 submitters: Uncertain significance (2). Last evaluated 2025-12-04.

Conditions:
Hereditary cancer-predisposing syndrome. Also called: Neoplastic Syndromes, Hereditary; Tumor predisposition; Hereditary neoplastic syndrome; Hereditary Cancer Syndrome. Identifiers: Orphanet 140162, MedGen C0027672, MeSH D009386, MONDO:0015356.
Melanoma, cutaneous malignant, susceptibility to, 1 (CMM1). Also called: FAMILIAL ATYPICAL MOLE-MALIGNANT MELANOMA SYNDROME; B-K MOLE SYNDROME; MELANOMA, MALIGNANT; DYSPLASTIC NEVUS SYNDROME, HEREDITARY. Identifiers: Orphanet 618, MedGen C1835047, MONDO:0007963, OMIM 155600.

Submissions (2):

Ambry Genetics
Classification: Uncertain significance for Hereditary cancer-predisposing syndrome. Last evaluated: 2025-12-04. Review status: criteria provided, single submitter. Criteria: Ambry Variant Classification Scheme 2023. Collection method: clinical testing. Allele origin: germline.
Comment: The p.S31F variant (also known as c.92C>T), located in coding exon 1 of the STK11 gene, results from a C to T substitution at nucleotide position 92. The serine at codon 31 is replaced by phenylalanine, an amino acid with highly dissimilar properties. One functional study assessing autophosphorylation activity using in vitro kinase and luciferase assays suggests this variant does not impact protein function; however, additional evidence is needed to confirm this finding (Donnelly LL et al. Carcinogenesis, 2021 Dec;42:1428-1438). This amino acid position is highly conserved in available vertebrate species. In addition, the in silico prediction for this alteration is inconclusive. Based on the available evidence, the clinical significance of this variant remains unclear.

Baylor Genetics
Classification: Uncertain significance for Melanoma, cutaneous malignant, susceptibility to, 1. Last evaluated: 2023-12-27. Review status: criteria provided, single submitter. Criteria: ACMG Guidelines, 2015. Collection method: clinical testing. Allele origin: unknown.

Literature cited by the submitters: PubMed 34849607 (cited by Ambry Genetics).

NM_000455.5(STK11):c.92C>T (p.Ser31Phe)

Gene: STK11 (serine/threonine kinase 11; plus strand). Cytogenetic location: 19p13.3.
Variant type: single nucleotide variant.
Coding change: c.92C>T on transcript NM_000455.5 (MANE Select); coding-DNA position 92, C replaced by T.
Protein change: p.Ser31Phe; replaces serine 31 with phenylalanine.
Molecular consequence: missense variant. On other transcripts: non-coding transcript variant (1).
Genome position (GRCh38, 1-based): chr19:1,207,005, C>T. VCF-style: chr19-1207005-C-T. GRCh37 (hg19) VCF-style: chr19-1207004-C-T.
Other names: c.92C>T, p.Ser31Phe (NM_001407255.1); short protein forms S31F.
Identifiers: ClinVar variation 3240546 (VCV003240546.2), dbSNP rs2145404849.